The following is an entry in ClinVar:

ClinVar aggregate classification (germline): Likely benign. Review status: criteria provided, single submitter (1 of 4 stars). 2 submissions from 2 submitters: Likely benign (1). 1 of the submissions does not count toward it. Last evaluated 2025-11-09.

Conditions:
Combined oxidative phosphorylation defect type 17. Also called: Combined oxidative phosphorylation deficiency 17. Identifiers: Orphanet 369913, MedGen C3809526, MONDO:0014190, OMIM 615440.
ELAC2-related disorder. Also called: ELAC2-related condition.

Allele frequency attached by ClinVar (database versions not stated): gnomAD 0.00001; ExAC 0.00002; gnomAD exomes 0.00002 and 0.00006; TOPMed 0.00003.
gnomAD v4.1: 85 of 1,613,944 alleles (0.0053%); highest among the groups gnomAD compares: Middle Eastern, 0.016%; no homozygotes.

Submissions (2):

Labcorp Genetics (formerly Invitae), Labcorp
Classification: Likely benign for Combined oxidative phosphorylation defect type 17. Last evaluated: 2025-11-09. Review status: criteria provided, single submitter. Criteria: Invitae Variant Classification Sherloc (09022015). Collection method: clinical testing. Allele origin: germline.

PreventionGenetics, part of Exact Sciences
Classification: Likely benign for ELAC2-related condition. Last evaluated: 2020-01-22. Review status: no assertion criteria provided. Collection method: clinical testing. Allele origin: germline. Not counted in ClinVar's aggregate classification.
Comment: This variant is classified as likely benign based on ACMG/AMP sequence variant interpretation guidelines (Richards et al. 2015 PMID: 25741868, with internal and published modifications).

NM_018127.7(ELAC2):c.1608G>A (p.Leu536=)

Gene: ELAC2 (elaC ribonuclease Z 2; minus strand). Cytogenetic location: 17p12.
Variant type: single nucleotide variant.
Coding change: c.1608G>A on transcript NM_018127.7 (MANE Select); coding-DNA position 1608, G replaced by A.
Protein change: p.Leu536=; no amino-acid change (leucine 536 retained).
Molecular consequence: synonymous variant.
Genome position (GRCh38, 1-based): chr17:12,996,598, C>T on the plus strand (G>A on the coding strand, the complement: ELAC2 is on the minus strand). VCF-style: chr17-12996598-C-T. GRCh37 (hg19) VCF-style: chr17-12899915-C-T.
Other names: c.1608G>A (NM_018127.6); c.1488G>A, p.Leu496= (NM_001165962.2); c.1605G>A, p.Leu535= (NM_173717.2).
Identifiers: ClinVar variation 1631926 (VCV001631926.10), dbSNP rs773774169, ClinGen allele CA8401141.